The following is an entry in ClinVar:

NM_000089.4(COL1A2):c.2700C>T (p.Ala900=)

Gene: COL1A2 (collagen type I alpha 2 chain; plus strand). Cytogenetic location: 7q21.3.
Variant type: single nucleotide variant.
Coding change: c.2700C>T on transcript NM_000089.4 (MANE Select); coding-DNA position 2700, C replaced by T.
Protein change: p.Ala900=; no amino-acid change (alanine 900 retained).
Molecular consequence: synonymous variant.
Genome position (GRCh38, 1-based): chr7:94,425,143, C>T. VCF-style: chr7-94425143-C-T. GRCh37 (hg19) VCF-style: chr7-94054455-C-T.
Other names: p.Ala900=.
Identifiers: ClinVar variation 35941 (VCV000035941.46), dbSNP rs141688356, ClinGen allele CA260354.

ClinVar aggregate classification (germline): Benign/Likely benign. Review status: criteria provided, multiple submitters, no conflicts (2 of 4 stars). 8 submissions from 8 submitters: Benign (5); Likely benign (3). Last evaluated 2026-02-02.

Conditions:
Ehlers-Danlos syndrome, classic type, 1 (EDSCL1). Also called: EDS I; EHLERS-DANLOS SYNDROME, GRAVIS TYPE; EHLERS-DANLOS SYNDROME, SEVERE CLASSIC TYPE; Ehlers-Danlos Syndrome, Classic Type, COL5A1-Related; Ehlers-Danlos syndrome, type 1. Identifiers: MedGen C0268335, MONDO:0019567, OMIM 130000.
Osteogenesis imperfecta type I (OI1). Also called: Osteogenesis imperfecta type 1; OI, TYPE I; OSTEOGENESIS IMPERFECTA TARDA; OSTEOGENESIS IMPERFECTA WITH BLUE SCLERAE; Lobstein disease; Classic Non-deforming Osteogenesis Imperfecta with Blue Sclerae. Identifiers: Orphanet 216796, Orphanet 666, MedGen C0023931, MONDO:0008146, OMIM 166200. Disease mechanism: loss of function.
Cardiovascular phenotype. Identifiers: MedGen CN230736.

Allele frequency attached by ClinVar (database versions not stated): gnomAD exomes 0.00022 and 0.00055; ExAC 0.00060; ESP Exome Variant Server 0.00177; gnomAD 0.00217 and 0.00235; TOPMed 0.00241; 1000 Genomes Project 30x 0.00312; 1000 Genomes Project 0.00319.

Submissions (8):

Labcorp Genetics (formerly Invitae), Labcorp
Classification: Benign for Osteogenesis imperfecta type I; Ehlers-Danlos syndrome, classic type, 1. Last evaluated: 2026-02-02. Review status: criteria provided, single submitter. Criteria: Invitae Variant Classification Sherloc (09022015). Collection method: clinical testing. Allele origin: germline.

CeGaT Center for Human Genetics Tuebingen
Classification: Likely benign. Last evaluated: 2025-11-01. Review status: criteria provided, single submitter. Criteria: CeGaT Center For Human Genetics Tuebingen Variant Classification Criteria Version 2. Collection method: clinical testing. Allele origin: germline. Affected: yes. Observed: 2 variant alleles.
Comment: COL1A2: BP4, BP7

Women's Health and Genetics/Laboratory Corporation of America, LabCorp
Classification: Benign. Last evaluated: 2024-12-06. Review status: criteria provided, single submitter. Criteria: LabCorp Variant Classification Summary - May 2015. Collection method: clinical testing. Allele origin: germline.

Mayo Clinic Laboratories, Mayo Clinic
Classification: Benign. Last evaluated: 2024-07-26. Review status: criteria provided, single submitter. Criteria: ACMG Guidelines, 2015. Collection method: clinical testing. Allele origin: germline. Observed: 5 variant alleles.
Comment: BS1, BS2, BP4, BP7

Blueprint Genetics
Classification: Likely benign. Last evaluated: 2024-05-09. Review status: criteria provided, single submitter. Criteria: ACMG Guidelines, 2015. Collection method: clinical testing. Allele origin: germline.

ARUP Laboratories, Molecular Genetics and Genomics, ARUP Laboratories
Classification: Benign. Last evaluated: 2023-04-21. Review status: criteria provided, single submitter. Criteria: ARUP Molecular Germline Variant Investigation Process 2024. Collection method: clinical testing. Allele origin: germline.

Ambry Genetics
Classification: Likely benign for Cardiovascular phenotype. Last evaluated: 2019-05-29. Review status: criteria provided, single submitter. Criteria: Ambry Variant Classification Scheme 2023. Collection method: clinical testing. Allele origin: germline.

GeneDx
Classification: Benign. Last evaluated: 2016-11-25. Review status: criteria provided, single submitter. Criteria: GeneDx Variant Classification (06012015). Collection method: clinical testing. Allele origin: germline. Affected: yes.
Comment: This variant is considered likely benign or benign based on one or more of the following criteria: it is a conservative change, it occurs at a poorly conserved position in the protein, it is predicted to be benign by multiple in silico algorithms, and/or has population frequency not consistent with disease.